The following is an entry in ClinVar:

ClinVar aggregate classification (germline): Uncertain significance. Review status: criteria provided, multiple submitters, no conflicts (2 of 4 stars). 6 submissions from 6 submitters: Uncertain significance (6). Last evaluated 2026-10-01.

Conditions:
Rothmund-Thomson syndrome type 2 (RTS2). Identifiers: Orphanet 221016, MedGen C5203410, MONDO:0016369, OMIM 268400.
Rapadilino syndrome. Identifiers: Orphanet 3021, MedGen C1849453, MONDO:0009955, OMIM 266280.
Baller-Gerold syndrome (BGS). Also called: CRANIOSYNOSTOSIS WITH RADIAL DEFECTS. Identifiers: Orphanet 1225, MedGen C0265308, MONDO:0009039, OMIM 218600.
Rothmund-Thomson syndrome (RTS). Also called: Poikiloderma Congenitale; Poikiloderma of Rothmund-Thomson. Identifiers: Orphanet 2909, MedGen C0032339, MONDO:0010002.

Allele frequency attached by ClinVar (database versions not stated): ExAC 0.00007; gnomAD exomes 0.00010; TOPMed 0.00013; 1000 Genomes Project 30x 0.00016; gnomAD 0.00019 and 0.00020; 1000 Genomes Project 0.00020.
gnomAD v4.1: 145 of 1,603,452 alleles (0.009%); highest among the groups gnomAD compares: Admixed American, 0.023%; no homozygotes.

Submissions (6):

St. Jude Molecular Pathology, St. Jude Children's Research Hospital
Classification: Uncertain significance for Rothmund-Thomson syndrome type 2. Last evaluated: 2026-10-01. Review status: criteria provided, single submitter. Criteria: St. Jude Assertion Criteria 2020. Collection method: clinical testing. Allele origin: germline.
Comment: The RECQL4 c.2351G>A p.(Arg784Gln) missense change has a maximum founder subpopulation frequency of 0.028% and a maximum non-founder subpopulation frequency of 0.02% in gnomAD v2.1.1. In silico tool predictions are inconclusive about a pathogenic or benign effect of this variant on protein function, and to our knowledge functional studies have not been performed. To our knowledge, this variant has not been reported in individuals with RECQL4-associated conditions. In summary, the evidence currently available is insufficient to determine the clinical significance of this variant. It has therefore been classified as of uncertain significance (VUS-Low).

Dasa
Classification: Uncertain significance. Last evaluated: 2025-07-22. Review status: criteria provided, single submitter. Criteria: DASA Assertion Criteria. Collection method: clinical testing. Allele origin: germline.
Comment: NM_004260.4(RECQL4):c.2351G>A (p.Arg784Gln) is a missense variant that results in the substitution of arginine with glutamine. This variant is rare in population databases. The currently available literature and clinical evidence are not sufficient to establish a definitive association between this variant and the reported condition. Therefore, this variant is classified as a variant of uncertain significance.

Labcorp Genetics (formerly Invitae), Labcorp
Classification: Uncertain significance for Baller-Gerold syndrome. Last evaluated: 2024-12-09. Review status: criteria provided, single submitter. Criteria: Invitae Variant Classification Sherloc (09022015). Collection method: clinical testing. Allele origin: germline.
Comment: This sequence change replaces arginine, which is basic and polar, with glutamine, which is neutral and polar, at codon 784 of the RECQL4 protein (p.Arg784Gln). This variant is present in population databases (rs536096413, gnomAD 0.03%). This variant has not been reported in the literature in individuals affected with RECQL4-related conditions. ClinVar contains an entry for this variant (Variation ID: 459395). Invitae Evidence Modeling of protein sequence and biophysical properties (such as structural, functional, and spatial information, amino acid conservation, physicochemical variation, residue mobility, and thermodynamic stability) indicates that this missense variant is not expected to disrupt RECQL4 protein function with a negative predictive value of 80%. In summary, the available evidence is currently insufficient to determine the role of this variant in disease. Therefore, it has been classified as a Variant of Uncertain Significance.

GeneDx
Classification: Uncertain significance. Last evaluated: 2021-03-23. Review status: criteria provided, single submitter. Criteria: GeneDx Variant Classification Process June 2021. Collection method: clinical testing. Allele origin: germline. Affected: yes.
Comment: In silico analysis, which includes protein predictors and evolutionary conservation, supports a deleterious effect; Has not been previously published as pathogenic or benign to our knowledge

Mendelics
Classification: Uncertain significance for Baller-Gerold syndrome. Last evaluated: 2019-05-28. Review status: criteria provided, single submitter. Criteria: Mendelics Assertion Criteria 2017. Collection method: clinical testing. Allele origin: unknown.

Fulgent Genetics
Classification: Uncertain significance for Baller-Gerold syndrome; Rapadilino syndrome; Rothmund-Thomson syndrome type 2. Last evaluated: 2018-10-31. Review status: criteria provided, single submitter. Criteria: ACMG Guidelines, 2015. Collection method: clinical testing. Allele origin: unknown.

NM_004260.4(RECQL4):c.2351G>A (p.Arg784Gln)

Gene: RECQL4 (RecQ like helicase 4; minus strand). Cytogenetic location: 8q24.3.
Variant type: single nucleotide variant.
Coding change: c.2351G>A on transcript NM_004260.4 (MANE Select); coding-DNA position 2351, G replaced by A.
Protein change: p.Arg784Gln; replaces arginine 784 with glutamine.
Molecular consequence: missense variant.
Genome position (GRCh38, 1-based): chr8:144,513,330, C>T on the plus strand (G>A on the coding strand, the complement: RECQL4 is on the minus strand). VCF-style: chr8-144513330-C-T. GRCh37 (hg19) VCF-style: chr8-145738713-C-T.
Other names: short protein forms R784Q.
Identifiers: ClinVar variation 459395 (VCV000459395.14), dbSNP rs536096413, ClinGen allele CA4948321.